The following is an entry in ClinVar:

NM_031885.5(BBS2):c.1791_1792insTAGC (p.Val598Ter)

Gene: BBS2 (Bardet-Biedl syndrome 2; minus strand). Cytogenetic location: 16q13.
Variant type: Insertion.
Coding change: c.1791_1792insTAGC on transcript NM_031885.5 (MANE Select); coding-DNA positions 1791 to 1792, TAGC inserted.
Protein change: p.Val598Ter; replaces valine 598 with a stop codon.
Molecular consequence: nonsense. On other transcripts: non-coding transcript variant (5).
Genome position: GRCh38 VCF-style: chr16-56497748-C-CGCTA. GRCh37 (hg19) VCF-style: chr16-56531660-C-CGCTA.
Other names: c.1791_1792insTAGC, p.Val598Ter (NM_001377456.1); short protein forms V598*.
Identifiers: ClinVar variation 5004314 (VCV005004314.1).

ClinVar aggregate classification (germline): Pathogenic (1 of 4 stars; one submission).

Conditions:
BBS2-related ciliopathy. Identifiers: MedGen CN378634, MONDO:1040048.

Submission:

Myriad Genetics, Inc.
Classification: Pathogenic for BBS2-related ciliopathy. Last evaluated: 2025-12-05. Review status: criteria provided, single submitter. Criteria: Myriad Autosomal Dominant, Autosomal Recessive and X-Linked Classification Criteria (2023). Collection method: clinical testing. Allele origin: unknown.
Comment: NM_031885.3(BBS2):c.1791_1792insTAGC(V598*) is a nonsense variant classified as pathogenic in the context of Bardet-Biedl syndrome, BBS2-related. V598* has not been observed in cases with relevant disease. Relevant functional assessments of this variant are not available in the literature. V598* has not been observed in referenced population frequency databases. In summary, NM_031885.3(BBS2):c.1791_1792insTAGC(V598*) is a nonsense variant in a gene where loss of function is a known mechanism of disease and is predicted to disrupt protein function. Please note: this variant was assessed in the context of healthy population screening.